The following is an entry in ClinVar:

ClinVar aggregate classification (germline): Uncertain significance. Review status: criteria provided, multiple submitters, no conflicts (2 of 4 stars). 4 submissions from 4 submitters: Uncertain significance (4). Last evaluated 2026-02-23.

Conditions:
Aneurysm-osteoarthritis syndrome. Also called: ANEURYSMS-OSTEOARTHRITIS SYNDROME; LOEYS-DIETZ SYNDROME WITH OSTEOARTHRITIS; SMAD3-Related Loeys-Dietz Syndrome; Loeys-Dietz syndrome, type 1C. Identifiers: Orphanet 284984, MedGen C3151087, MONDO:0013426, OMIM 613795.
Familial thoracic aortic aneurysm and aortic dissection (TAAD). Also called: Thoracic aortic aneurysms and dissections. Identifiers: Orphanet 91387, MedGen C4707243, MONDO:0019625.

Allele frequency attached by ClinVar (database versions not stated): TOPMed below 0.00001.

Submissions (4):

Ambry Genetics
Classification: Uncertain significance for Familial thoracic aortic aneurysm and aortic dissection. Last evaluated: 2026-02-23. Review status: criteria provided, single submitter. Criteria: Ambry Variant Classification Scheme 2023. Collection method: clinical testing. Allele origin: germline.
Comment: The p.E228K variant (also known as c.682G>A), located in coding exon 6 of the SMAD3 gene, results from a G to A substitution at nucleotide position 682. The glutamic acid at codon 228 is replaced by lysine, an amino acid with similar properties. This variant was reported in individual(s) with features consistent with Loeys-Dietz syndrome (Ambry internal data). This amino acid position is highly conserved in available vertebrate species. In addition, this alteration is predicted to be deleterious by in silico analysis. Based on the available evidence, the clinical significance of this variant remains unclear.

All of Us Research Program, National Institutes of Health
Classification: Uncertain significance for Aneurysm-osteoarthritis syndrome. Last evaluated: 2024-07-29. Review status: criteria provided, single submitter. Criteria: ACMG Guidelines, 2015. Collection method: clinical testing. Allele origin: germline. Inheritance: Autosomal dominant inheritance. Observed: 1 variant allele, 1 heterozygote.
Comment: This missense variant replaces glutamic acid with lysine at codon 228 of the SMAD3 protein. Computational prediction suggests that this variant may have deleterious impact on protein structure and function (internally defined REVEL score threshold >= 0.7, PMID: 27666373). To our knowledge, functional studies have not been reported for this variant. This variant has not been reported in individuals affected with SMAD3-related disorders in the literature. This variant has not been identified in the general population by the Genome Aggregation Database (gnomAD). The available evidence is insufficient to determine the role of this variant in disease conclusively. Therefore, this variant is classified as a Variant of Uncertain Significance.

This study involves interpretation of variants in research participants for the purpose of population health screening. Participant phenotype was not available at the time of variant classification. Additional details can be found in publication PMID: 35346344, PMCID: PMC8962531

Labcorp Genetics (formerly Invitae), Labcorp
Classification: Uncertain significance for Familial thoracic aortic aneurysm and aortic dissection. Last evaluated: 2023-10-15. Review status: criteria provided, single submitter. Criteria: Invitae Variant Classification Sherloc (09022015). Collection method: clinical testing. Allele origin: germline.
Comment: This sequence change replaces glutamic acid, which is acidic and polar, with lysine, which is basic and polar, at codon 228 of the SMAD3 protein (p.Glu228Lys). This variant is not present in population databases (gnomAD no frequency). This variant has not been reported in the literature in individuals affected with SMAD3-related conditions. ClinVar contains an entry for this variant (Variation ID: 213759). Advanced modeling performed at Invitae incorporating data from internal and/or published experimental studies (Invitae) indicates that this missense variant is not expected to disrupt SMAD3 function. In summary, the available evidence is currently insufficient to determine the role of this variant in disease. Therefore, it has been classified as a Variant of Uncertain Significance.

GeneDx
Classification: Uncertain significance. Last evaluated: 2015-11-09. Review status: criteria provided, single submitter. Criteria: GeneDx Variant Classification (06012015). Collection method: clinical testing. Allele origin: germline. Affected: yes.
Comment: The E228K variant has not been published as a pathogenic variant, nor has it been reported as a benign variant to our knowledge. The E228K variant was not observed in approximately 6,500 individuals of European and African American ancestry in the NHLBI Exome Sequencing Project, indicating it is not a common benign variant in these populations. The E228K variant is a non-conservative amino acid substitution, which is likely to impact secondary protein structure as these residues differ in polarity, charge, size and/or other properties. Moreover, this substitution occurs at a position that is conserved across species, and, consequently, in silico analysis predicts this variant is probably damaging to the protein structure/function. However, no missense variants in nearby residues have been reported in the Human Gene Mutation Database (Stenson et al., 2014), indicating that this region of the gene is not known to harbor disease-causing variants. Therefore, based on the currently available information, it is unclear whether this variant is a pathogenic variant or a rare benign variant.

NM_005902.4(SMAD3):c.682G>A (p.Glu228Lys)

Gene: SMAD3 (SMAD family member 3; plus strand). Cytogenetic location: 15q22.33.
Variant type: single nucleotide variant.
Coding change: c.682G>A on transcript NM_005902.4 (MANE Select); coding-DNA position 682, G replaced by A.
Protein change: p.Glu228Lys; replaces glutamic acid 228 with lysine.
Molecular consequence: missense variant.
Genome position (GRCh38, 1-based): chr15:67,181,264, G>A. VCF-style: chr15-67181264-G-A. GRCh37 (hg19) VCF-style: chr15-67473602-G-A.
Other names: p.E228K:GAG>AAG; c.367G>A, p.Glu123Lys (NM_001145102.2); c.550G>A, p.Glu184Lys (NM_001145103.2); c.97G>A, p.Glu33Lys (NM_001145104.2); short protein forms E228K, E33K, E123K, E184K.
Identifiers: ClinVar variation 213759 (VCV000213759.13), dbSNP rs863223735, ClinGen allele CA320833.